The following is an entry in ClinVar:

NM_001009944.3(PKD1):c.7485C>A (p.Cys2495Ter)

Gene: PKD1 (polycystin 1, transient receptor potential channel interacting; minus strand). Cytogenetic location: 16p13.3.
Variant type: single nucleotide variant.
Coding change: c.7485C>A on transcript NM_001009944.3 (MANE Select); coding-DNA position 7485, C replaced by A.
Protein change: p.Cys2495Ter; replaces cysteine 2495 with a stop codon.
Molecular consequence: nonsense.
Genome position (GRCh38, 1-based): chr16:2,106,402, G>T on the plus strand (C>A on the coding strand, the complement: PKD1 is on the minus strand). VCF-style: chr16-2106402-G-T. GRCh37 (hg19) VCF-style: chr16-2156403-G-T.
Other names: c.7485C>A, p.Cys2495Ter (NM_000296.4); short protein forms C2495*.
Identifiers: ClinVar variation 3335885 (VCV003335885.2).
Genomic context (GRCh38, chr16:2,106,402, plus strand): 5'-GTGACGTCACAGAGTCGGGGGATCCCGCTGCTCCCCCCACGCAGGCCTGCACTCACCCGT[G>T]CATTCGAAGTGCACCTTGGTGGTGAGGGCGTGCACAGCGCCCAGTGGGAAGAGGCGGCAA-3'

ClinVar aggregate classification (germline): Pathogenic (1 of 4 stars; one submission).

Conditions:
Polycystic kidney disease, adult type (PKD1). Also called: Polycystic Kidney, Autosomal Dominant; POLYCYSTIC KIDNEY DISEASE 1 WITH OR WITHOUT POLYCYSTIC LIVER DISEASE; POLYCYSTIC KIDNEY DISEASE, ADULT, TYPE I; Polycystic Kidney Disease 1, Autosomal Dominant; Polycystic kidney disease 1; Polycystic kidney disease 1, severe. Identifiers: MedGen C3149841, MONDO:0008263, OMIM 173900.

Submission:

Juno Genomics, Hangzhou Juno Genomics, Inc
Classification: Pathogenic for Polycystic kidney disease, adult type. Review status: criteria provided, single submitter. Criteria: ACMG Guidelines, 2015. Collection method: clinical testing. Allele origin: germline. Affected: yes.
Comment: Null variant in a gene where loss of function (LOF) is a known mechanism of disease.;Absent from controls (or at extremely low frequency if recessive) in Genome Aggregation Database, Exome Sequencing Project, 1000 Genomes Project, or Exome Aggregation Consortium.;Patient's phenotype or family history is highly specific for a disease with a single genetic etiology.